The following is an entry in ClinVar:

NM_032043.3(BRIP1):c.3315G>T (p.Leu1105Phe)

Gene: BRIP1 (BRCA1 interacting DNA helicase 1; minus strand). Cytogenetic location: 17q23.2.
Variant type: single nucleotide variant.
Coding change: c.3315G>T on transcript NM_032043.3 (MANE Select); coding-DNA position 3315, G replaced by T.
Protein change: p.Leu1105Phe; replaces leucine 1105 with phenylalanine.
Molecular consequence: missense variant.
Genome position (GRCh38, 1-based): chr17:61,683,731, C>A on the plus strand (G>T on the coding strand, the complement: BRIP1 is on the minus strand). VCF-style: chr17-61683731-C-A. GRCh37 (hg19) VCF-style: chr17-59761092-C-A.
Other names: short protein forms L1105F.
Identifiers: ClinVar variation 823568 (VCV000823568.15), dbSNP rs1603275236, ClinGen allele CA400478996.

ClinVar aggregate classification (germline): Conflicting classifications of pathogenicity. Review status: criteria provided, conflicting classifications (1 of 4 stars). 4 submissions from 4 submitters: Uncertain significance (3); Likely benign (1). Last evaluated 2025-07-03.

Conditions:
Hereditary cancer-predisposing syndrome. Also called: Hereditary Cancer Syndrome; Neoplastic Syndromes, Hereditary; Tumor predisposition; Hereditary neoplastic syndrome. Identifiers: Orphanet 140162, MedGen C0027672, MeSH D009386, MONDO:0015356.
Familial cancer of breast. Also called: hereditary breast carcinoma; Hereditary breast cancer; BREAST CANCER, FAMILIAL. Identifiers: Orphanet 227535, MedGen C0346153, MONDO:0016419, OMIM 114480. Disease mechanism: loss of function.
Fanconi anemia complementation group J. Also called: BRIP1-Related Fanconi Anemia. Identifiers: Orphanet 84, MedGen C1836860, MONDO:0012187, OMIM 609054.

Submissions (4):

Dasa
Classification: Uncertain significance. Last evaluated: 2025-07-03. Review status: criteria provided, single submitter. Criteria: DASA Assertion Criteria. Collection method: clinical testing. Allele origin: germline.
Comment: NM_032043.3(BRIP1):c.3315G>T (p.Leu1105Phe) is a missense variant that results in the substitution of leucine with phenylalanine. This variant is absent from population databases. Computational prediction algorithms are consistent with a benign effect. The currently available literature and clinical evidence are not sufficient to establish a definitive association between this variant and the reported condition. Therefore, this variant is classified as a variant of uncertain significance.

Ambry Genetics
Classification: Likely benign for Hereditary cancer-predisposing syndrome. Last evaluated: 2025-01-31. Review status: criteria provided, single submitter. Criteria: Ambry Variant Classification Scheme 2023. Collection method: clinical testing. Allele origin: germline.

Baylor Genetics
Classification: Uncertain significance for Familial cancer of breast. Last evaluated: 2023-12-19. Review status: criteria provided, single submitter. Criteria: ACMG Guidelines, 2015. Collection method: clinical testing. Allele origin: unknown.

Labcorp Genetics (formerly Invitae), Labcorp
Classification: Uncertain significance for Familial cancer of breast; Fanconi anemia complementation group J. Last evaluated: 2021-08-23. Review status: criteria provided, single submitter. Criteria: Invitae Variant Classification Sherloc (09022015). Collection method: clinical testing. Allele origin: germline.
Comment: This sequence change replaces leucine with phenylalanine at codon 1105 of the BRIP1 protein (p.Leu1105Phe). The leucine residue is moderately conserved and there is a small physicochemical difference between leucine and phenylalanine. This variant is not present in population databases (ExAC no frequency). This variant has not been reported in the literature in individuals affected with BRIP1-related conditions. ClinVar contains an entry for this variant (Variation ID: 823568). Algorithms developed to predict the effect of missense changes on protein structure and function output the following: SIFT: "Deleterious"; PolyPhen-2: "Benign"; Align-GVGD: "Class C0". The phenylalanine amino acid residue is found in multiple mammalian species, which suggests that this missense change does not adversely affect protein function. In summary, the available evidence is currently insufficient to determine the role of this variant in disease. Therefore, it has been classified as a Variant of Uncertain Significance.